The following is an entry in ClinVar:

ClinVar aggregate classification (germline): Uncertain significance (1 of 4 stars; one submission).

Conditions:
Marfan syndrome (MFS). Also called: FBN1-Related Marfan Syndrome; Marfan syndrome type 1; Marfan's syndrome; Marfan syndrome, classic; MARFAN SYNDROME, TYPE I. Identifiers: Orphanet 284963, Orphanet 558, MedGen C0024796, MONDO:0007947, OMIM 154700.

Allele frequency attached by ClinVar (database versions not stated): gnomAD exomes 0.00013; gnomAD 0.00156 and 0.00143; 1000 Genomes Project 0.83333; TOPMed 0.00162.

Submission:

Women's Health and Genetics/Laboratory Corporation of America, LabCorp
Classification: Uncertain significance for Marfan Syndrome. Last evaluated: 2011-08-18. Review status: criteria provided, single submitter. Criteria: LabCorp Variant Classification Summary - May 2015. Collection method: curation. Allele origin: germline. Inheritance: autosomal unknown. Affected: yes.
ClinVar note: Converted during submission from uncertain to Uncertain significance.

NM_000138.5(FBN1):c.1714+54del

Gene: FBN1 (fibrillin 1; minus strand). Cytogenetic location: 15q21.1.
Variant type: Deletion.
Coding change: c.1714+54del on transcript NM_000138.5 (MANE Select); 54 bases into the intron after coding-DNA position 1714, one base deleted (A; older notation c.1714+54delA).
Genome position (GRCh38, 1-based): chr15:48,509,990, T deleted on the plus strand (A on the coding strand, the reverse complement: FBN1 is on the minus strand). VCF-style (leftmost placement, unchanged base first): chr15-48509989-CT-C. GRCh37 (hg19) VCF-style: chr15-48802186-CT-C.
Other names: c.1714+54delA (NM_000138.4).
Identifiers: ClinVar variation 36040 (VCV000036040.3), dbSNP rs193922184, ClinGen allele CA012511.
Genomic context (GRCh38, chr15:48,509,989, plus strand): 5'-TATATAAAACATATTTGATACTTTGACATTTCACTCATTATTTGGTCTTGTTAAAGACCC[CT>C]GATATTGAAACTGCAATGGAAGGAGAGGACTAACATTAGTATACTATTATTACCTTCACA-3'